The following is an entry in ClinVar:

NM_139027.6(ADAMTS13):c.1462C>T (p.Arg488Trp)

Gene: ADAMTS13 (ADAM metallopeptidase with thrombospondin type 1 motif 13; plus strand). Cytogenetic location: 9q34.2.
Variant type: single nucleotide variant.
Coding change: c.1462C>T on transcript NM_139027.6 (MANE Select); coding-DNA position 1462, C replaced by T.
Protein change: p.Arg488Trp; replaces arginine 488 with tryptophan.
Molecular consequence: missense variant.
Genome position (GRCh38, 1-based): chr9:133,437,775, C>T. VCF-style: chr9-133437775-C-T. GRCh37 (hg19) VCF-style: chr9-136302895-C-T.
Other names: c.1462C>T, p.Arg488Trp (NM_139025.5); c.1369C>T, p.Arg457Trp (NM_139026.6); short protein forms R457W, R488W.
Identifiers: ClinVar variation 2187222 (VCV002187222.1), dbSNP rs782769100, ClinGen allele CA200930251.

ClinVar aggregate classification (germline): Uncertain significance (1 of 4 stars; one submission).

Allele frequency attached by ClinVar (database versions not stated): gnomAD exomes 0.00001; ExAC 0.00002.
gnomAD v4.1: 22 of 1,613,878 alleles (0.0014%); highest among the groups gnomAD compares: Admixed American, 0.012%; no homozygotes.

Submission:

Labcorp Genetics (formerly Invitae), Labcorp
Classification: Uncertain significance. Last evaluated: 2022-07-03. Review status: criteria provided, single submitter. Criteria: Invitae Variant Classification Sherloc (09022015). Collection method: clinical testing. Allele origin: germline.
Comment: This sequence change replaces arginine, which is basic and polar, with tryptophan, which is neutral and slightly polar, at codon 488 of the ADAMTS13 protein (p.Arg488Trp). This variant is present in population databases (rs782769100, gnomAD 0.02%). This variant has not been reported in the literature in individuals affected with ADAMTS13-related conditions. Algorithms developed to predict the effect of missense changes on protein structure and function output the following: SIFT: "Tolerated"; PolyPhen-2: "Benign"; Align-GVGD: "Class C0". The tryptophan amino acid residue is found in multiple mammalian species, which suggests that this missense change does not adversely affect protein function. In summary, the available evidence is currently insufficient to determine the role of this variant in disease. Therefore, it has been classified as a Variant of Uncertain Significance.